The following is an entry in ClinVar:

ClinVar aggregate classification (germline): Uncertain significance (1 of 4 stars; one submission).

Submission:

Labcorp Genetics (formerly Invitae), Labcorp
Classification: Uncertain significance. Last evaluated: 2025-04-03. Review status: criteria provided, single submitter. Criteria: Invitae Variant Classification Sherloc (09022015). Collection method: clinical testing. Allele origin: germline.
Comment: This sequence change replaces serine, which is neutral and polar, with threonine, which is neutral and polar, at codon 219 of the OPN1SW protein (p.Ser219Thr). This variant is not present in population databases (gnomAD no frequency). This variant has not been reported in the literature in individuals affected with OPN1SW-related conditions. ClinVar contains an entry for this variant (Variation ID: 1418467). An algorithm developed to predict the effect of missense changes on protein structure and function (PolyPhen-2) suggests that this variant is likely to be disruptive. In summary, the available evidence is currently insufficient to determine the role of this variant in disease. Therefore, it has been classified as a Variant of Uncertain Significance.

NM_001385125.1(OPN1SW):c.646T>A (p.Ser216Thr)

Gene: OPN1SW (opsin 1, short wave sensitive; minus strand). Cytogenetic location: 7q32.1.
Variant type: single nucleotide variant.
Coding change: c.646T>A on transcript NM_001385125.1 (MANE Select); coding-DNA position 646, T replaced by A.
Protein change: p.Ser216Thr; replaces serine 216 with threonine.
Molecular consequence: missense variant.
Genome position (GRCh38, 1-based): chr7:128,774,530, A>T on the plus strand (T>A on the coding strand, the complement: OPN1SW is on the minus strand). VCF-style: chr7-128774530-A-T. GRCh37 (hg19) VCF-style: chr7-128414584-A-T.
Other names: short protein forms S216T.
Identifiers: ClinVar variation 1418467 (VCV001418467.8), dbSNP rs2128886019, ClinGen allele CA369218373.